The following is an entry in ClinVar:

ClinVar aggregate classification (germline): Uncertain significance (1 of 4 stars; one submission).

Conditions:
MAGEL2-related disorder. Also called: MAGEL2-related condition.

gnomAD v4.1: 6 of 1,613,720 alleles (0.00037%); highest among the groups gnomAD compares: Non-Finnish European, 0.000085%; no homozygotes.

Submission:

PreventionGenetics, part of Exact Sciences
Classification: Uncertain significance for MAGEL2-related condition. Last evaluated: 2025-07-11. Review status: criteria provided, single submitter. Criteria: ACMG Guidelines, 2015. Collection method: clinical testing. Allele origin: germline.
Comment: The MAGEL2 c.3661G>T variant is predicted to result in the amino acid substitution p.Ala1221Ser. To our knowledge, this variant has not been reported in the literature. This variant is reported in 0.0046% of alleles in individuals of European (Finnish) descent in gnomAD. At this time, the clinical significance of this variant is uncertain due to the absence of conclusive functional and genetic evidence.

NM_019066.5(MAGEL2):c.3661G>T (p.Ala1221Ser)

Gene: MAGEL2 (MAGE family member L2; minus strand). Cytogenetic location: 15q11.2.
Variant type: single nucleotide variant.
Coding change: c.3661G>T on transcript NM_019066.5 (MANE Select); coding-DNA position 3661, G replaced by T.
Protein change: p.Ala1221Ser; replaces alanine 1221 with serine.
Molecular consequence: missense variant.
Genome position (GRCh38, 1-based): chr15:23,644,082, C>A on the plus strand (G>T on the coding strand, the complement: MAGEL2 is on the minus strand). VCF-style: chr15-23644082-C-A. GRCh37 (hg19) VCF-style: chr15-23889229-C-A.
Other names: short protein forms A1221S.
Identifiers: ClinVar variation 4978571 (VCV004978571.1).